The following is an entry in ClinVar:

NM_000256.3(MYBPC3):c.364G>A (p.Ala122Thr)

Gene: MYBPC3 (myosin binding protein C3; minus strand). Cytogenetic location: 11p11.2.
Variant type: single nucleotide variant.
Coding change: c.364G>A on transcript NM_000256.3 (MANE Select); coding-DNA position 364, G replaced by A.
Protein change: p.Ala122Thr; replaces alanine 122 with threonine.
Molecular consequence: missense variant.
Genome position (GRCh38, 1-based): chr11:47,350,544, C>T on the plus strand (G>A on the coding strand, the complement: MYBPC3 is on the minus strand). VCF-style: chr11-47350544-C-T. GRCh37 (hg19) VCF-style: chr11-47372095-C-T.
Other names: short protein forms A122T.
Identifiers: ClinVar variation 925424 (VCV000925424.13), dbSNP rs754633960, ClinGen allele CA054616.

ClinVar aggregate classification (germline): Conflicting classifications of pathogenicity. Review status: criteria provided, conflicting classifications (1 of 4 stars). 4 submissions from 4 submitters: Uncertain significance (2); Likely benign (2). Last evaluated 2025-11-11.

Conditions:
Cardiomyopathy (CMYO). Also called: Cardiomyopathies. Identifiers: Orphanet 167848, MedGen C0878544, MONDO:0004994, HP:0001638. Inheritance: Various modes of inheritance.
Cardiovascular phenotype. Identifiers: MedGen CN230736.
Hypertrophic cardiomyopathy. Also called: HYPERTROPHIC MYOCARDIOPATHY. Identifiers: Orphanet 217569, MedGen C0007194, MeSH D002312, MONDO:0005045, HP:0001639.

Allele frequency attached by ClinVar (database versions not stated): gnomAD 0.00001; TOPMed 0.00001; gnomAD exomes 0.00001 and below 0.00001; ExAC 0.00004.
gnomAD v4.1: 7 of 1,554,178 alleles (0.00045%); highest among the groups gnomAD compares: East Asian, 0.014%; no homozygotes.

Submissions (4):

Color Diagnostics, LLC DBA Color Health
Classification: Likely benign for Cardiomyopathy. Last evaluated: 2025-11-11. Review status: criteria provided, single submitter. Criteria: ACMG Guidelines, 2015. Collection method: clinical testing. Allele origin: germline.

Labcorp Genetics (formerly Invitae), Labcorp
Classification: Uncertain significance for Hypertrophic cardiomyopathy. Last evaluated: 2025-09-15. Review status: criteria provided, single submitter. Criteria: Invitae Variant Classification Sherloc (09022015). Collection method: clinical testing. Allele origin: germline.
Comment: This sequence change replaces alanine, which is neutral and non-polar, with threonine, which is neutral and polar, at codon 122 of the MYBPC3 protein (p.Ala122Thr). The frequency data for this variant in the population databases is considered unreliable, as metrics indicate poor data quality at this position in the gnomAD database. This variant has not been reported in the literature in individuals affected with MYBPC3-related conditions. ClinVar contains an entry for this variant (Variation ID: 925424). An algorithm developed to predict the effect of missense changes on protein structure and function outputs the following: PolyPhen-2: "Benign". The threonine amino acid residue is found in multiple mammalian species, which suggests that this missense change does not adversely affect protein function. In summary, the available evidence is currently insufficient to determine the role of this variant in disease. Therefore, it has been classified as a Variant of Uncertain Significance.

Ambry Genetics
Classification: Likely benign for Cardiovascular phenotype. Last evaluated: 2024-09-26. Review status: criteria provided, single submitter. Criteria: Ambry Variant Classification Scheme 2023. Collection method: clinical testing. Allele origin: germline.

All of Us Research Program, National Institutes of Health
Classification: Uncertain significance for Hypertrophic cardiomyopathy. Last evaluated: 2023-08-15. Review status: criteria provided, single submitter. Criteria: ACMG Guidelines, 2015. Collection method: clinical testing. Allele origin: germline. Inheritance: Autosomal dominant inheritance. Observed: 3 variant alleles, 3 heterozygotes.
Comment: This missense variant replaces alanine with threonine at codon 122 of the MYBPC3 protein. Computational prediction suggests that this variant may not impact protein structure and function (internally defined REVEL score threshold <= 0.5, PMID: 27666373). To our knowledge, functional studies have not been reported for this variant. This variant has not been reported in individuals affected with MYBPC3-related disorders in the literature; it has been reported in a healthy control individual (PMID: 24510615). This variant has been identified in 2/164814 chromosomes in the general population by the Genome Aggregation Database (gnomAD). The available evidence is insufficient to determine the role of this variant in disease conclusively. Therefore, this variant is classified as a Variant of Uncertain Significance.

This study involves interpretation of variants in research participants for the purpose of population health screening. Participant phenotype was not available at the time of variant classification. Additional details can be found in publication PMID: 35346344, PMCID: PMC8962531

Literature cited by the submitters: PubMed 24510615 (cited by Ambry Genetics and All of Us Research Program, National Institutes of Health).